The following is an entry in ClinVar:

NM_000435.3(NOTCH3):c.6813T>C (p.Pro2271=)

Gene: NOTCH3 (notch receptor 3; minus strand). Cytogenetic location: 19p13.12.
Variant type: single nucleotide variant.
Coding change: c.6813T>C on transcript NM_000435.3 (MANE Select); coding-DNA position 6813, T replaced by C.
Protein change: p.Pro2271=; no amino-acid change (proline 2271 retained).
Molecular consequence: synonymous variant.
Genome position (GRCh38, 1-based): chr19:15,160,815, A>G on the plus strand (T>C on the coding strand, the complement: NOTCH3 is on the minus strand). VCF-style: chr19-15160815-A-G. GRCh37 (hg19) VCF-style: chr19-15271626-A-G.
Other names: p.Pro2271=.
Identifiers: ClinVar variation 256154 (VCV000256154.33), dbSNP rs61731974, ClinGen allele CA9262296.

ClinVar aggregate classification (germline): Benign. Review status: criteria provided, multiple submitters, no conflicts (2 of 4 stars). 7 submissions from 7 submitters: Benign (7). Last evaluated 2026-01-27.

Conditions:
Cerebral arteriopathy, autosomal dominant, with subcortical infarcts and leukoencephalopathy, type 1 (CADASIL1). Also called: CADASIL 1; CASIL; Cerebral arteriopathy with subcortical infarcts and leukoencephalopathy 1; DEMENTIA, HEREDITARY MULTIINFARCT TYPE. Identifiers: Orphanet 136, MedGen C4551768, MONDO:0000914, OMIM 125310.

Allele frequency attached by ClinVar (database versions not stated): gnomAD exomes 0.00130 and 0.00338; ExAC 0.00428; 1000 Genomes Project 30x 0.01327; 1000 Genomes Project 0.01338; gnomAD 0.01338 and 0.01445; TOPMed 0.01514; ESP Exome Variant Server 0.01530.

Submissions (7):

Labcorp Genetics (formerly Invitae), Labcorp
Classification: Benign. Last evaluated: 2026-01-27. Review status: criteria provided, single submitter. Criteria: Invitae Variant Classification Sherloc (09022015). Collection method: clinical testing. Allele origin: germline.

ARUP Laboratories, Molecular Genetics and Genomics, ARUP Laboratories
Classification: Benign. Last evaluated: 2025-07-03. Review status: criteria provided, single submitter. Criteria: ARUP Molecular Germline Variant Investigation Process 2024. Collection method: clinical testing. Allele origin: germline.

Athena Diagnostics
Classification: Benign. Last evaluated: 2025-06-11. Review status: criteria provided, single submitter. Criteria: Athena Diagnostics Criteria. Collection method: clinical testing. Allele origin: unknown.
Comment: The frequency of this variant in the general population is higher than would generally be expected for pathogenic variants in this gene. Computational tools yielded predictions that this variant is unlikely to have an effect on normal RNA splicing. This nucleotide position exhibits low evolutionary conservation.

Mayo Clinic Laboratories, Mayo Clinic
Classification: Benign. Last evaluated: 2024-06-05. Review status: criteria provided, single submitter. Criteria: ACMG Guidelines, 2015. Collection method: clinical testing. Allele origin: germline. Observed: 42 variant alleles.
Comment: BA1, BS2, BP4, BP7

Illumina Laboratory Services, Illumina
Classification: Benign for Cerebral arteriopathy, autosomal dominant, with subcortical infarcts and leukoencephalopathy, type 1. Last evaluated: 2018-01-13. Review status: criteria provided, single submitter. Criteria: ICSL Variant Classification Criteria 13 December 2019. Collection method: clinical testing. Allele origin: germline.
Comment: This variant was observed in the ICSL laboratory as part of a predisposition screen in an ostensibly healthy population. It had not been previously curated by ICSL or reported in the Human Gene Mutation Database (HGMD: prior to June 1st, 2018), and was therefore a candidate for classification through an automated scoring system. Utilizing variant allele frequency, disease prevalence and penetrance estimates, and inheritance mode, an automated score was calculated to assess if this variant is too frequent to cause the disease. Based on the score and internal cut-off values, a variant classified as benign is not then subjected to further curation. The score for this variant resulted in a classification of benign for this disease.

Breakthrough Genomics
Classification: Benign. Review status: criteria provided, single submitter. Criteria: ACMG Guidelines, 2015. Collection method: not provided. Allele origin: germline. Inheritance: Autosomal dominant inheritance. Affected: yes.

PreventionGenetics, part of Exact Sciences
Classification: Benign. Review status: criteria provided, single submitter. Criteria: ACMG Guidelines, 2015. Collection method: clinical testing. Allele origin: germline.

Literature cited by the submitters: PubMed 22153900 (cited by Athena Diagnostics); PubMed 24086431 (cited by Athena Diagnostics).